The following is an entry in ClinVar:

NM_001077365.2(POMT1):c.2162T>G (p.Leu721Trp)

Gene: POMT1 (protein O-mannosyltransferase 1; plus strand). Cytogenetic location: 9q34.13.
Variant type: single nucleotide variant.
Coding change: c.2162T>G on transcript NM_001077365.2 (MANE Select); coding-DNA position 2162, T replaced by G.
Protein change: p.Leu721Trp; replaces leucine 721 with tryptophan.
Molecular consequence: missense variant. On other transcripts: non-coding transcript variant (10).
Genome position (GRCh38, 1-based): chr9:131,523,090, T>G. VCF-style: chr9-131523090-T-G. GRCh37 (hg19) VCF-style: chr9-134398477-T-G.
Other names: c.1877T>G, p.Leu626Trp (NM_001353199.2); c.1706T>G, p.Leu569Trp (NM_001353200.2); c.2150T>G, p.Leu717Trp (NM_001374689.1); c.1943T>G, p.Leu648Trp (NM_001374690.1); c.1811T>G, p.Leu604Trp (NM_001374691.1, NM_001374692.1, NM_001374693.1 and 2 more transcripts); c.1772T>G, p.Leu591Trp (NM_001374695.1); c.1031T>G, p.Leu344Trp (NM_001411024.1); c.2228T>G, p.Leu743Trp (NM_007171.4, NM_001353193.2); and 4 more; short protein forms L591W, L604W, L569W, L626W, L667W, L721W, L691W, L717W.
Identifiers: ClinVar variation 2127493 (VCV002127493.4), dbSNP rs2539515312, ClinGen allele CA375315484.

ClinVar aggregate classification (germline): Uncertain significance (1 of 4 stars; one submission).

Conditions:
Muscular dystrophy-dystroglycanopathy (congenital with impaired intellectual development), type B, 1. Also called: Muscular dystrophy-dystroglycanopathy (congenital with intellectual disability), type B1; MUSCULAR DYSTROPHY, CONGENITAL, POMT1-RELATED. Identifiers: MedGen C5436962, MONDO:0013159, OMIM 613155.
Walker-Warburg congenital muscular dystrophy. Also called: Muscular dystrophy-dystroglycanopathy, type A; Walker-Warburg syndrome. Identifiers: Orphanet 899, MedGen C0265221, MONDO:0000171.
Autosomal recessive limb-girdle muscular dystrophy type 2K. Also called: MUSCULAR DYSTROPHY-DYSTROGLYCANOPATHY (LIMB-GIRDLE), TYPE C, 1; MUSCULAR DYSTROPHY, LIMB-GIRDLE, TYPE 2K. Identifiers: Orphanet 86812, MedGen C1836373, MONDO:0012248, OMIM 609308.

Submission:

Labcorp Genetics (formerly Invitae), Labcorp
Classification: Uncertain significance for Muscular dystrophy-dystroglycanopathy (congenital with impaired intellectual development), type B, 1; Walker-Warburg congenital muscular dystrophy; Autosomal recessive limb-girdle muscular dystrophy type 2K. Last evaluated: 2024-05-23. Review status: criteria provided, single submitter. Criteria: Invitae Variant Classification Sherloc (09022015). Collection method: clinical testing. Allele origin: germline.
Comment: This sequence change replaces leucine, which is neutral and non-polar, with tryptophan, which is neutral and slightly polar, at codon 743 of the POMT1 protein (p.Leu743Trp). This variant is not present in population databases (gnomAD no frequency). This variant has not been reported in the literature in individuals affected with POMT1-related conditions. ClinVar contains an entry for this variant (Variation ID: 2127493). An algorithm developed to predict the effect of missense changes on protein structure and function (PolyPhen-2) suggests that this variant is likely to be disruptive. In summary, the available evidence is currently insufficient to determine the role of this variant in disease. Therefore, it has been classified as a Variant of Uncertain Significance.